The following is an entry in ClinVar:

ClinVar aggregate classification (germline): Uncertain significance. Review status: criteria provided, multiple submitters, no conflicts (2 of 4 stars). 2 submissions from 2 submitters: Uncertain significance (2). Last evaluated 2025-01-24.

Conditions:
Inborn genetic diseases. Identifiers: MedGen C0950123, MeSH D030342.

Allele frequency attached by ClinVar (database versions not stated): gnomAD exomes 0.00002 and 0.00007; ExAC 0.00010; ESP Exome Variant Server 0.00031; gnomAD 0.00031 and 0.00035; TOPMed 0.00036.
gnomAD v4.1: 85 of 1,614,134 alleles (0.0053%); highest among the groups gnomAD compares: African/African-American, 0.11%; no homozygotes.

Submissions (2):

Ambry Genetics
Classification: Uncertain significance for Inborn genetic diseases. Last evaluated: 2025-01-24. Review status: criteria provided, single submitter. Criteria: Ambry Variant Classification Scheme 2023. Collection method: clinical testing. Allele origin: germline.

Labcorp Genetics (formerly Invitae), Labcorp
Classification: Uncertain significance. Last evaluated: 2022-08-09. Review status: criteria provided, single submitter. Criteria: Invitae Variant Classification Sherloc (09022015). Collection method: clinical testing. Allele origin: germline.
Comment: This sequence change replaces glutamine, which is neutral and polar, with proline, which is neutral and non-polar, at codon 1068 of the ADAMTS17 protein (p.Gln1068Pro). This variant is present in population databases (rs138405311, gnomAD 0.1%). This variant has not been reported in the literature in individuals affected with ADAMTS17-related conditions. ClinVar contains an entry for this variant (Variation ID: 1467180). Algorithms developed to predict the effect of missense changes on protein structure and function are either unavailable or do not agree on the potential impact of this missense change (SIFT: "Not Available"; PolyPhen-2: "Probably Damaging"; Align-GVGD: "Not Available"). In summary, the available evidence is currently insufficient to determine the role of this variant in disease. Therefore, it has been classified as a Variant of Uncertain Significance.

NM_139057.4(ADAMTS17):c.3203A>C (p.Gln1068Pro)

Gene: ADAMTS17 (ADAM metallopeptidase with thrombospondin type 1 motif 17; minus strand). Cytogenetic location: 15q26.3.
Variant type: single nucleotide variant.
Coding change: c.3203A>C on transcript NM_139057.4 (MANE Select); coding-DNA position 3203, A replaced by C.
Protein change: p.Gln1068Pro; replaces glutamine 1068 with proline.
Molecular consequence: missense variant.
Genome position (GRCh38, 1-based): chr15:99,974,487, T>G on the plus strand (A>C on the coding strand, the complement: ADAMTS17 is on the minus strand). VCF-style: chr15-99974487-T-G. GRCh37 (hg19) VCF-style: chr15-100514692-T-G.
Other names: c.3203A>C (NM_139057.2); short protein forms Q1068P.
Identifiers: ClinVar variation 1467180 (VCV001467180.7), dbSNP rs138405311, ClinGen allele CA7757429.
Genomic context (GRCh38, chr15:99,974,487, plus strand): 5'-ATCTTGTTTGCATAGAAGTCCCTGCAGGTCTGGCAGCAGCGCTGGTACCACCGCATGTCC[T>G]GGCAGAGGTTCTTTTCTCGGATGACCCGGCAATATACCGTCCACTGGTCTCGTGTGCATT-3'
Protein context (NP_620688.2, residues 1058-1078): CRVIREKNLC[Gln1068Pro]DMRWYQRCCQ